The following is an entry in ClinVar:

NM_001369.3(DNAH5):c.55dup (p.Thr19fs)

Gene: DNAH5 (dynein axonemal heavy chain 5; minus strand). Cytogenetic location: 5p15.2.
Variant type: Duplication.
Coding change: c.55dup on transcript NM_001369.3 (MANE Select); coding-DNA position 55, one base duplicated (A; older notation c.55dupA).
Protein change: p.Thr19fs; shifts the reading frame from threonine 19.
Molecular consequence: frameshift variant.
Genome position (GRCh38, 1-based): chr5:13,944,384, T duplicated on the plus strand (A on the coding strand, the reverse complement: DNAH5 is on the minus strand); the first of 2 consecutive T bases (chr5:13,944,384-13,944,385); duplicating either gives the same sequence. VCF-style (leftmost placement, unchanged base first): chr5-13944383-G-GT. GRCh37 (hg19) VCF-style: chr5-13944492-G-GT.
Other names: short protein forms T19fs.
Identifiers: ClinVar variation 5015889 (VCV005015889.1).

ClinVar aggregate classification (germline): Pathogenic (1 of 4 stars; one submission).

Conditions:
Primary ciliary dyskinesia 3. Identifiers: Orphanet 244, MedGen C1837618, MONDO:0012085, OMIM 608644.

Submission:

Myriad Genetics, Inc.
Classification: Pathogenic for Primary ciliary dyskinesia 3. Last evaluated: 2024-05-14. Review status: criteria provided, single submitter. Criteria: Myriad Autosomal Dominant, Autosomal Recessive and X-Linked Classification Criteria (2023). Collection method: clinical testing. Allele origin: unknown.
Comment: NM_001369.2(DNAH5):c.55dupA(T19Nfs*20) is expected to be pathogenic in the context of primary ciliary dyskinesia, DNAH5-related. This variant is predicted to lead to an abnormal or absent protein product due to the creation of a premature termination codon in DNAH5, a gene where loss-of-function variants are known to be pathogenic. Please note: this variant was assessed in the context of healthy population screening.